The following is an entry in ClinVar:

ClinVar aggregate classification (germline): Likely benign. Review status: criteria provided, multiple submitters, no conflicts (2 of 4 stars). 4 submissions from 4 submitters: Likely benign (4). Last evaluated 2026-01-19.

Conditions:
Cardiovascular phenotype. Identifiers: MedGen CN230736.

Allele frequency attached by ClinVar (database versions not stated): gnomAD exomes 0.00003 and 0.00006; TOPMed 0.00008; ExAC 0.00009; gnomAD 0.00011.
gnomAD v4.1: 71 of 1,613,546 alleles (0.0044%); highest among the groups gnomAD compares: African/African-American, 0.019%; 1 homozygote.

Submissions (4):

Labcorp Genetics (formerly Invitae), Labcorp
Classification: Likely benign. Last evaluated: 2026-01-19. Review status: criteria provided, single submitter. Criteria: Invitae Variant Classification Sherloc (09022015). Collection method: clinical testing. Allele origin: germline.

CeGaT Center for Human Genetics Tuebingen
Classification: Likely benign. Last evaluated: 2024-10-01. Review status: criteria provided, single submitter. Criteria: CeGaT Center For Human Genetics Tuebingen Variant Classification Criteria Version 2. Collection method: clinical testing. Allele origin: germline. Affected: yes. Observed: 1 variant allele.
Comment: TNXB: BP4, BP7

GeneDx
Classification: Likely benign. Last evaluated: 2021-01-07. Review status: criteria provided, single submitter. Criteria: GeneDx Variant Classification Process June 2021. Collection method: clinical testing. Allele origin: germline. Affected: yes.

Ambry Genetics
Classification: Likely benign for Cardiovascular phenotype. Last evaluated: 2020-07-17. Review status: criteria provided, single submitter. Criteria: Ambry Variant Classification Scheme 2023. Collection method: clinical testing. Allele origin: germline.

NM_001365276.2(TNXB):c.8673G>A (p.Pro2891=)

Gene: TNXB (tenascin XB; minus strand). Cytogenetic location: 6p21.33.
Variant type: single nucleotide variant.
Coding change: c.8673G>A on transcript NM_001365276.2 (MANE Select); coding-DNA position 8673, G replaced by A.
Protein change: p.Pro2891=; no amino-acid change (proline 2891 retained).
Molecular consequence: synonymous variant.
Genome position (GRCh38, 1-based): chr6:32,053,506, C>T on the plus strand (G>A on the coding strand, the complement: TNXB is on the minus strand). VCF-style: chr6-32053506-C-T. GRCh37 (hg19) VCF-style: chr6-32021283-C-T.
Other names: c.8667G>A, p.Pro2889= (NM_019105.8).
Identifiers: ClinVar variation 1212839 (VCV001212839.20), dbSNP rs775671482, ClinGen allele CA3733778.